The following is an entry in ClinVar:

NM_002618.4(PEX13):c.807T>C (p.Ser269=)

Gene: PEX13 (peroxisomal biogenesis factor 13; plus strand). Cytogenetic location: 2p15.
Variant type: single nucleotide variant.
Coding change: c.807T>C on transcript NM_002618.4 (MANE Select); coding-DNA position 807, T replaced by C.
Protein change: p.Ser269=; no amino-acid change (serine 269 retained).
Molecular consequence: synonymous variant.
Genome position (GRCh38, 1-based): chr2:61,045,745, T>C. VCF-style: chr2-61045745-T-C. GRCh37 (hg19) VCF-style: chr2-61272880-T-C.
Other names: c.807T>C (NM_002618.3).
Identifiers: ClinVar variation 3017390 (VCV003017390.5), dbSNP rs1680695699, ClinGen allele CA426187281.
Genomic context (GRCh38, chr2:61,045,745, plus strand): 5'-TTTTGTAAATTTTATTAACCTAATTTTAATTTGGCTTATAGACAGCATCAACTGGGCAAG[T>C]GGTGAGGATGACCATGTAGTTGCCAGAGCAGAATATGATTTTGCTGCCGTATCTGAAGAA-3'
Protein context (NP_002609.1, residues 259-279): DEVTDSINWA[Ser269=]GEDDHVVARA

ClinVar aggregate classification (germline): Likely benign. Review status: criteria provided, single submitter (1 of 4 stars). 2 submissions from 2 submitters: Likely benign (1). 1 of the submissions does not count toward it. Last evaluated 2024-02-18.

Conditions:
PEX13-related disorder. Also called: PEX13-related disorders; PEX13-related condition.
Peroxisome biogenesis disorder 11A (Zellweger). Also called: Peroxisome biogenesis disorder 11A. Identifiers: Orphanet 912, MedGen C3554000, MONDO:0013949, OMIM 614883.

Allele frequency attached by ClinVar (database versions not stated): gnomAD exomes below 0.00001; TOPMed below 0.00001.
gnomAD v4.1: 1 of 1,613,428 alleles (0.000062%); highest among the groups gnomAD compares: Non-Finnish European, 0.000085%; no homozygotes.

Submissions (2):

Labcorp Genetics (formerly Invitae), Labcorp
Classification: Likely benign for Peroxisome biogenesis disorder 11A (Zellweger). Last evaluated: 2024-02-18. Review status: criteria provided, single submitter. Criteria: Invitae Variant Classification Sherloc (09022015). Collection method: clinical testing. Allele origin: germline.

PreventionGenetics, part of Exact Sciences
Classification: Likely benign for PEX13-related condition. Last evaluated: 2023-08-30. Review status: no assertion criteria provided. Collection method: clinical testing. Allele origin: germline. Not counted in ClinVar's aggregate classification.
Comment: This variant is classified as likely benign based on ACMG/AMP sequence variant interpretation guidelines (Richards et al. 2015 PMID: 25741868, with internal and published modifications).